The following is an entry in ClinVar:

NM_001848.3(COL6A1):c.1773G>A (p.Pro591=)

Gene: COL6A1 (collagen type VI alpha 1 chain; plus strand). Cytogenetic location: 21q22.3.
Variant type: single nucleotide variant.
Coding change: c.1773G>A on transcript NM_001848.3 (MANE Select); coding-DNA position 1773, G replaced by A.
Protein change: p.Pro591=; no amino-acid change (proline 591 retained).
Molecular consequence: synonymous variant.
Genome position (GRCh38, 1-based): chr21:45,999,689, G>A. VCF-style: chr21-45999689-G-A. GRCh37 (hg19) VCF-style: chr21-47419603-G-A.
Other names: p.Pro591=.
Identifiers: ClinVar variation 93828 (VCV000093828.30), dbSNP rs74852641, ClinGen allele CA147340.

ClinVar aggregate classification (germline): Benign. Review status: criteria provided, multiple submitters, no conflicts (2 of 4 stars). 11 submissions from 11 submitters: Benign (9). 2 of the submissions do not count toward it. Last evaluated 2026-02-01.

Conditions:
Collagen 6-related myopathy. Identifiers: MedGen CN117976, MONDO:0100225.
Bethlem myopathy 1A. Also called: Bethlem myopathy 1; Bethlem Muscular Dystrophy; MYOPATHY, BENIGN CONGENITAL, WITH CONTRACTURES. Identifiers: Orphanet 610, MedGen CN029274, MONDO:0024530, OMIM 158810.

Allele frequency attached by ClinVar (database versions not stated): TOPMed 0.03415; 1000 Genomes Project 30x 0.05637; gnomAD exomes 0.01675 and 0.00739; gnomAD 0.03267 and 0.03265; ESP Exome Variant Server 0.03576; 1000 Genomes Project 0.05232; ExAC 0.02027.
gnomAD v4.1: 16,119 of 1,613,082 alleles (1%); highest among the groups gnomAD compares: African/African-American, 11%; 657 homozygotes.

Submissions (11):

Labcorp Genetics (formerly Invitae), Labcorp
Classification: Benign for Bethlem myopathy 1A. Last evaluated: 2026-02-01. Review status: criteria provided, single submitter. Criteria: Invitae Variant Classification Sherloc (09022015). Collection method: clinical testing. Allele origin: germline.

Athena Diagnostics
Classification: Benign. Last evaluated: 2025-02-21. Review status: criteria provided, single submitter. Criteria: Athena Diagnostics Criteria. Collection method: clinical testing. Allele origin: unknown.
Comment: The frequency of this variant in the general population is higher than would generally be expected for pathogenic variants in this gene.

Illumina Laboratory Services, Illumina
Classification: Benign for Collagen VI-related myopathy. Last evaluated: 2018-01-13. Review status: criteria provided, single submitter. Criteria: ICSL Variant Classification Criteria 13 December 2019. Collection method: clinical testing. Allele origin: germline.
Comment: This variant was observed in the ICSL laboratory as part of a predisposition screen in an ostensibly healthy population. It had not been previously curated by ICSL or reported in the Human Gene Mutation Database (HGMD: prior to June 1st, 2018), and was therefore a candidate for classification through an automated scoring system. Utilizing variant allele frequency, disease prevalence and penetrance estimates, and inheritance mode, an automated score was calculated to assess if this variant is too frequent to cause the disease. Based on the score and internal cut-off values, a variant classified as benign is not then subjected to further curation. The score for this variant resulted in a classification of benign for this disease.

Mayo Clinic Laboratories, Mayo Clinic
Classification: Benign. Last evaluated: 2017-10-10. Review status: criteria provided, single submitter. Criteria: ACMG Guidelines, 2015. Collection method: clinical testing. Allele origin: germline. Observed: 20 variant alleles.

GeneDx
Classification: Benign. Last evaluated: 2016-07-20. Review status: criteria provided, single submitter. Criteria: GeneDx Variant Classification (06012015). Collection method: clinical testing. Allele origin: germline. Affected: yes.
Comment: This variant is considered likely benign or benign based on one or more of the following criteria: it is a conservative change, it occurs at a poorly conserved position in the protein, it is predicted to be benign by multiple in silico algorithms, and/or has population frequency not consistent with disease.

PreventionGenetics, part of Exact Sciences
Classification: Benign. Last evaluated: 2016-02-25. Review status: criteria provided, single submitter. Criteria: ACMG Guidelines, 2015. Collection method: clinical testing. Allele origin: germline.

Genetic Services Laboratory, University of Chicago
Classification: Benign for AllHighlyPenetrant. Last evaluated: 2013-08-15. Review status: criteria provided, single submitter. Criteria: ACMG Guidelines, 2007. Collection method: clinical testing. Allele origin: germline.

Eurofins Ntd Llc (ga)
Classification: Benign. Last evaluated: 2012-08-24. Review status: criteria provided, single submitter. Criteria: EGL Classification Definitions 2015. Collection method: clinical testing. Allele origin: germline. Observed: 5 variant alleles, 5 heterozygotes.

Breakthrough Genomics
Classification: Benign. Review status: criteria provided, single submitter. Criteria: ACMG Guidelines, 2015. Collection method: not provided. Allele origin: germline. Inheritance: Autosomal recessive inheritance. Affected: yes.

Joint Genome Diagnostic Labs from Nijmegen and Maastricht, Radboudumc and MUMC+
Classification: Benign. Review status: no assertion criteria provided. Collection method: clinical testing. Allele origin: germline. Affected: yes. Study: VKGL Data-share Consensus. Not counted in ClinVar's aggregate classification.

Laboratory of Diagnostic Genome Analysis, Leiden University Medical Center (LUMC)
Classification: Likely benign. Review status: no assertion criteria provided. Collection method: clinical testing. Allele origin: germline. Affected: yes. Study: VKGL Data-share Consensus. Not counted in ClinVar's aggregate classification.